The following is an entry in ClinVar:

ClinVar aggregate classification (germline): Uncertain significance (1 of 4 stars; one submission).

Conditions:
Left ventricular noncompaction 8 (LVNC8). Identifiers: Orphanet 154, Orphanet 54260, MedGen C3809288, MONDO:0014152, OMIM 615373.

Submission:

Labcorp Genetics (formerly Invitae), Labcorp
Classification: Uncertain significance for Left ventricular noncompaction 8. Last evaluated: 2020-06-14. Review status: criteria provided, single submitter. Criteria: Invitae Variant Classification Sherloc (09022015). Collection method: clinical testing. Allele origin: germline.
Comment: Experimental studies and prediction algorithms are not available or were not evaluated, and the functional significance of this variant is currently unknown. In summary, the available evidence is currently insufficient to determine the role of this variant in disease. Therefore, it has been classified as a Variant of Uncertain Significance. This variant is not present in population databases (ExAC no frequency). This variant has not been reported in the literature in individuals with PRDM16-related conditions. This sequence change replaces glutamic acid with glutamine at codon 754 of the PRDM16 protein (p.Glu754Gln). The glutamic acid residue is moderately conserved and there is a small physicochemical difference between glutamic acid and glutamine.

NM_022114.4(PRDM16):c.2259_2260delinsTC (p.Glu754Gln)

Gene: PRDM16 (PR/SET domain 16; plus strand). Cytogenetic location: 1p36.32.
Variant type: Indel.
Coding change: c.2259_2260delinsTC on transcript NM_022114.4 (MANE Select); coding-DNA positions 2259 to 2260, CG replaced by TC.
Protein change: p.Glu754Gln; replaces glutamic acid 754 with glutamine.
Molecular consequence: missense variant.
Genome position (GRCh38, 1-based): chr1:3,412,456-3,412,457, CG replaced by TC. VCF-style: chr1-3412456-CG-TC. GRCh37 (hg19) VCF-style: chr1-3329020-CG-TC.
Other names: c.2259_2260delinsTC, p.Glu754Gln (NM_199454.3); short protein forms E754Q.
Identifiers: ClinVar variation 1052623 (VCV001052623.7), dbSNP rs2100664386, ClinGen allele CA2499214695.